The following is an entry in ClinVar:

ClinVar aggregate classification (germline): Uncertain significance (1 of 4 stars; one submission).

Conditions:
Fanconi anemia complementation group J. Also called: BRIP1-Related Fanconi Anemia. Identifiers: Orphanet 84, MedGen C1836860, MONDO:0012187, OMIM 609054.
Familial cancer of breast. Also called: BREAST CANCER, FAMILIAL; hereditary breast carcinoma; Hereditary breast cancer. Identifiers: Orphanet 227535, MedGen C0346153, MONDO:0016419, OMIM 114480. Disease mechanism: loss of function.

Submission:

Labcorp Genetics (formerly Invitae), Labcorp
Classification: Uncertain significance for Familial cancer of breast; Fanconi anemia complementation group J. Last evaluated: 2017-12-27. Review status: criteria provided, single submitter. Criteria: Invitae Variant Classification Sherloc (09022015). Collection method: clinical testing. Allele origin: germline.
Comment: This sequence change replaces proline with arginine at codon 853 of the BRIP1 protein (p.Pro853Arg). The proline residue is highly conserved and there is a moderate physicochemical difference between proline and arginine. This variant is not present in population databases (ExAC no frequency). This variant has not been reported in the literature in individuals with BRIP1-related disease. Algorithms developed to predict the effect of missense changes on protein structure and function (SIFT, PolyPhen-2, Align-GVGD) all suggest that this variant is likely to be tolerated, but these predictions have not been confirmed by published functional studies and their clinical significance is uncertain. In summary, the available evidence is currently insufficient to determine the role of this variant in disease. Therefore, it has been classified as a Variant of Uncertain Significance.

NM_032043.3(BRIP1):c.2558C>G (p.Pro853Arg)

Gene: BRIP1 (BRCA1 interacting DNA helicase 1; minus strand). Cytogenetic location: 17q23.2.
Variant type: single nucleotide variant.
Coding change: c.2558C>G on transcript NM_032043.3 (MANE Select); coding-DNA position 2558, C replaced by G.
Protein change: p.Pro853Arg; replaces proline 853 with arginine.
Molecular consequence: missense variant.
Genome position (GRCh38, 1-based): chr17:61,693,447, G>C on the plus strand (C>G on the coding strand, the complement: BRIP1 is on the minus strand). VCF-style: chr17-61693447-G-C. GRCh37 (hg19) VCF-style: chr17-59770808-G-C.
Other names: short protein forms P853R.
Identifiers: ClinVar variation 530312 (VCV000530312.9), dbSNP rs1060501775, ClinGen allele CA400482370.